The following is an entry in ClinVar:

NM_006035.4(CDC42BPB):c.815A>G (p.Tyr272Cys)

Gene: CDC42BPB (CDC42 binding protein kinase beta; minus strand). Cytogenetic location: 14q32.32.
Variant type: single nucleotide variant.
Coding change: c.815A>G on transcript NM_006035.4 (MANE Select); coding-DNA position 815, A replaced by G.
Protein change: p.Tyr272Cys; replaces tyrosine 272 with cysteine.
Molecular consequence: missense variant.
Genome position (GRCh38, 1-based): chr14:102,983,632, T>C on the plus strand (A>G on the coding strand, the complement: CDC42BPB is on the minus strand). VCF-style: chr14-102983632-T-C. GRCh37 (hg19) VCF-style: chr14-103449969-T-C.
Other names: c.815A>G, p.Tyr272Cys (NM_001411054.1); short protein forms Y272C.
Identifiers: ClinVar variation 5041566 (VCV005041566.1).

ClinVar aggregate classification (germline): Uncertain significance (1 of 4 stars; one submission).

Submission:

CeGaT Center for Human Genetics Tuebingen
Classification: Uncertain significance. Last evaluated: 2026-09-01. Review status: criteria provided, single submitter. Criteria: CeGaT Center For Human Genetics Tuebingen Variant Classification Criteria Version 2. Collection method: clinical testing. Allele origin: germline. Affected: yes. Observed: 1 variant allele.
Comment: CDC42BPB: PM2, PP2